The following is an entry in ClinVar:

ClinVar aggregate classification (germline): Uncertain significance (1 of 4 stars; one submission).

Submission:

Ambry Genetics
Classification: Uncertain significance. Last evaluated: 2021-12-04. Review status: criteria provided, single submitter. Criteria: Ambry Variant Classification Scheme 2023. Collection method: clinical testing. Allele origin: germline.
Comment: The p.N1179K variant (also known as c.3537C>G), located in coding exon 16 of the POLQ gene, results from a C to G substitution at nucleotide position 3537. The asparagine at codon 1179 is replaced by lysine, an amino acid with similar properties. This amino acid position is conserved. In addition, this alteration is predicted to be tolerated by in silico analysis. Since supporting evidence is limited at this time, the clinical significance of this alteration remains unclear.

NM_199420.4(POLQ):c.3537C>G (p.Asn1179Lys)

Gene: POLQ (DNA polymerase theta; minus strand). Cytogenetic location: 3q13.33.
Variant type: single nucleotide variant.
Coding change: c.3537C>G on transcript NM_199420.4 (MANE Select); coding-DNA position 3537, C replaced by G.
Protein change: p.Asn1179Lys; replaces asparagine 1179 with lysine.
Molecular consequence: missense variant.
Genome position (GRCh38, 1-based): chr3:121,489,394, G>C on the plus strand (C>G on the coding strand, the complement: POLQ is on the minus strand). VCF-style: chr3-121489394-G-C. GRCh37 (hg19) VCF-style: chr3-121208241-G-C.
Other names: short protein forms N1179K.
Identifiers: ClinVar variation 1732411 (VCV001732411.2), dbSNP rs1183940125, ClinGen allele CA354099346.